The following is an entry in ClinVar:

ClinVar aggregate classification (germline): Uncertain significance. Review status: criteria provided, multiple submitters, no conflicts (2 of 4 stars). 2 submissions from 2 submitters: Uncertain significance (2). Last evaluated 2024-03-21.

Conditions:
Hypodontia. Also called: Partial congenital absence of teeth; Tooth agenesis, selective. Identifiers: Orphanet 99798, MedGen C0020608, MONDO:0005486, HP:0000668. Disease mechanism: loss of function.
Tooth agenesis, selective, 3 (STHAG3). Also called: HYPODONTIA/OLIGODONTIA 3. Identifiers: Orphanet 99798, MedGen C1970291, MONDO:0011477, OMIM 604625. Disease mechanism: loss of function.

Submissions (2):

Labcorp Genetics (formerly Invitae), Labcorp
Classification: Uncertain significance for Hypodontia. Last evaluated: 2024-03-21. Review status: criteria provided, single submitter. Criteria: Invitae Variant Classification Sherloc (09022015). Collection method: clinical testing. Allele origin: germline.
Comment: This sequence change replaces leucine, which is neutral and non-polar, with proline, which is neutral and non-polar, at codon 32 of the PAX9 protein (p.Leu32Pro). This variant is not present in population databases (gnomAD no frequency). This variant has not been reported in the literature in individuals affected with PAX9-related conditions. Advanced modeling of protein sequence and biophysical properties (such as structural, functional, and spatial information, amino acid conservation, physicochemical variation, residue mobility, and thermodynamic stability) performed at Invitae indicates that this missense variant is expected to disrupt PAX9 protein function with a positive predictive value of 80%. In summary, the available evidence is currently insufficient to determine the role of this variant in disease. Therefore, it has been classified as a Variant of Uncertain Significance.

Fulgent Genetics
Classification: Uncertain significance for Tooth agenesis, selective, 3. Last evaluated: 2024-03-11. Review status: criteria provided, single submitter. Criteria: ACMG Guidelines, 2015. Collection method: clinical testing. Allele origin: germline.

NM_001372076.1(PAX9):c.95T>C (p.Leu32Pro)

Gene: PAX9 (paired box 9; plus strand). Cytogenetic location: 14q13.3.
Variant type: single nucleotide variant.
Coding change: c.95T>C on transcript NM_001372076.1 (MANE Select); coding-DNA position 95, T replaced by C.
Protein change: p.Leu32Pro; replaces leucine 32 with proline.
Molecular consequence: missense variant.
Genome position (GRCh38, 1-based): chr14:36,662,987, T>C. VCF-style: chr14-36662987-T-C. GRCh37 (hg19) VCF-style: chr14-37132192-T-C.
Other names: c.95T>C, p.Leu32Pro (NM_006194.4); c.95T>C (NM_006194.3); short protein forms L32P.
Identifiers: ClinVar variation 3576569 (VCV003576569.3).